The following is an entry in ClinVar:

NM_198578.4(LRRK2):c.2570C>T (p.Ala857Val)

Gene: LRRK2 (leucine rich repeat kinase 2; plus strand). Cytogenetic location: 12q12.
Variant type: single nucleotide variant.
Coding change: c.2570C>T on transcript NM_198578.4 (MANE Select); coding-DNA position 2570, C replaced by T.
Protein change: p.Ala857Val; replaces alanine 857 with valine.
Molecular consequence: missense variant.
Genome position (GRCh38, 1-based): chr12:40,287,420, C>T. VCF-style: chr12-40287420-C-T. GRCh37 (hg19) VCF-style: chr12-40681222-C-T.
Other names: short protein forms A857V.
Identifiers: ClinVar variation 2567347 (VCV002567347.2), dbSNP rs2499679447, ClinGen allele CA384408727.

ClinVar aggregate classification (germline): Uncertain significance (1 of 4 stars; one submission).

Conditions:
Inborn genetic diseases. Identifiers: MedGen C0950123, MeSH D030342.

Submission:

Ambry Genetics
Classification: Uncertain significance for Inborn genetic diseases. Last evaluated: 2023-04-03. Review status: criteria provided, single submitter. Criteria: Ambry Variant Classification Scheme 2023. Collection method: clinical testing. Allele origin: germline.
Comment: The p.A857V variant (also known as c.2570C>T), located in coding exon 20 of the LRRK2 gene, results from a C to T substitution at nucleotide position 2570. The alanine at codon 857 is replaced by valine, an amino acid with similar properties. This amino acid position is conserved. In addition, this alteration is predicted to be tolerated by in silico analysis. Since supporting evidence is limited at this time, the clinical significance of this alteration remains unclear.